The following is an entry in ClinVar:

NM_003803.4(MYOM1):c.3547C>T (p.Arg1183Ter)

Gene: MYOM1 (myomesin 1; minus strand). Cytogenetic location: 18p11.31.
Variant type: single nucleotide variant.
Coding change: c.3547C>T on transcript NM_003803.4 (MANE Select); coding-DNA position 3547, C replaced by T.
Protein change: p.Arg1183Ter; replaces arginine 1183 with a stop codon.
Molecular consequence: nonsense.
Genome position (GRCh38, 1-based): chr18:3,102,502, G>A on the plus strand (C>T on the coding strand, the complement: MYOM1 is on the minus strand). VCF-style: chr18-3102502-G-A. GRCh37 (hg19) VCF-style: chr18-3102500-G-A.
Other names: c.3259C>T, p.Arg1087Ter (NM_019856.2); short protein forms R1087*, R1183*.
Identifiers: ClinVar variation 961441 (VCV000961441.7), dbSNP rs369979714, ClinGen allele CA8874265.

ClinVar aggregate classification (germline): Uncertain significance (1 of 4 stars; one submission).

Conditions:
Hypertrophic cardiomyopathy. Also called: HYPERTROPHIC MYOCARDIOPATHY. Identifiers: Orphanet 217569, MedGen C0007194, MeSH D002312, MONDO:0005045, HP:0001639.

Allele frequency attached by ClinVar (database versions not stated): ExAC 0.00002; gnomAD exomes 0.00002; gnomAD 0.00003; TOPMed 0.00004; ESP Exome Variant Server 0.00008.
gnomAD v4.1: 29 of 1,612,318 alleles (0.0018%); highest among the groups gnomAD compares: Non-Finnish European, 0.002%; no homozygotes.

Submission:

Labcorp Genetics (formerly Invitae), Labcorp
Classification: Uncertain significance for Hypertrophic cardiomyopathy. Last evaluated: 2024-12-02. Review status: criteria provided, single submitter. Criteria: Invitae Variant Classification Sherloc (09022015). Collection method: clinical testing. Allele origin: germline.
Comment: This sequence change creates a premature translational stop signal (p.Arg1183*) in the MYOM1 gene. It is expected to result in an absent or disrupted protein product. However, the current clinical and genetic evidence is not sufficient to establish whether loss-of-function variants in MYOM1 cause disease. This variant is present in population databases (rs369979714, gnomAD 0.004%). This variant has not been reported in the literature in individuals affected with MYOM1-related conditions. ClinVar contains an entry for this variant (Variation ID: 961441). In summary, the available evidence is currently insufficient to determine the role of this variant in disease. Therefore, it has been classified as a Variant of Uncertain Significance.